The following is an entry in ClinVar:

ClinVar aggregate classification (germline): Uncertain significance (1 of 4 stars; one submission).

Allele frequency attached by ClinVar (database versions not stated): 1000 Genomes Project 0.00040; 1000 Genomes Project 30x 0.00047.
gnomAD v4.1: 76 of 700,418 alleles (0.011%); highest among the groups gnomAD compares: South Asian, 0.05%; no homozygotes.

Submission:

Labcorp Genetics (formerly Invitae), Labcorp
Classification: Uncertain significance. Last evaluated: 2025-11-17. Review status: criteria provided, single submitter. Criteria: Invitae Variant Classification Sherloc (09022015). Collection method: clinical testing. Allele origin: germline.
Comment: This variant occurs in the RNU4ATAC gene, which encodes an RNA molecule that does not result in a protein product. This variant is present in population databases (rs549662600, gnomAD 0.04%). This variant has not been reported in the literature in individuals affected with RNU4ATAC-related conditions. ClinVar contains an entry for this variant (Variation ID: 1374802). Experimental studies and prediction algorithms are not available or were not evaluated, and the functional significance of this variant is currently unknown. In summary, the available evidence is currently insufficient to determine the role of this variant in disease. Therefore, it has been classified as a Variant of Uncertain Significance.

NC_000002.12:g.121530952C>T

Genes: RNU4ATAC (RNA, U4atac small nuclear; plus strand), CLASP1 (cytoplasmic linker associated protein 1; minus strand), CLASP1-AS1 (CLASP1 antisense RNA 1; plus strand). Cytogenetic location: 2q14.2.
Variant type: single nucleotide variant.
Molecular consequence: intron variant (on NM_001395891.1).
Genome position: GRCh38 VCF-style: chr2-121530952-C-T. GRCh37 (hg19) VCF-style: chr2-122288528-C-T.
Other names: c.196-627G>A (NM_001142274.2, NM_015282.3, NM_001378003.1 and 5 more transcripts).
Identifiers: ClinVar variation 1374802 (VCV001374802.4), dbSNP rs549662600, ClinGen allele CA1854720.
Genomic context (GRCh38, chr2:121,530,952, plus strand): 5'-CTTGGGGTTGCGCTACTGTCCAATGAGCGCATAGTGAGGGCAGTACTGCTAACGCCTGAA[C>T]AACACACCCGCATCAACTAGAGCTTTTGCTTTATTTTGGTGCAATTTTTGGAAAAATGAA-3'